The following is an entry in ClinVar:

NM_015267.4(CUX2):c.418G>A (p.Glu140Lys)

Gene: CUX2 (cut like homeobox 2; plus strand). Cytogenetic location: 12q24.11.
Variant type: single nucleotide variant.
Coding change: c.418G>A on transcript NM_015267.4 (MANE Select); coding-DNA position 418, G replaced by A.
Protein change: p.Glu140Lys; replaces glutamic acid 140 with lysine.
Molecular consequence: missense variant.
Genome position (GRCh38, 1-based): chr12:111,291,534, G>A. VCF-style: chr12-111291534-G-A. GRCh37 (hg19) VCF-style: chr12-111729338-G-A.
Other names: c.232G>A, p.Glu78Lys (NM_001370598.1); short protein forms E140K, E78K.
Identifiers: ClinVar variation 3054750 (VCV003054750.3), dbSNP rs202077929, ClinGen allele CA6788345.

ClinVar aggregate classification (germline): Likely benign. Review status: criteria provided, single submitter (1 of 4 stars). 2 submissions from 2 submitters: Likely benign (1). 1 of the submissions does not count toward it. Last evaluated 2026-10-01.

Conditions:
CUX2-related disorder. Also called: CUX2-related condition.

Allele frequency attached by ClinVar (database versions not stated): gnomAD exomes 0.00008; ExAC 0.00015; 1000 Genomes Project 30x 0.00016; 1000 Genomes Project 0.00020; TOPMed 0.00042; gnomAD 0.00046; ESP Exome Variant Server 0.00067.

Submissions (2):

CeGaT Center for Human Genetics Tuebingen
Classification: Likely benign. Last evaluated: 2026-10-01. Review status: criteria provided, single submitter. Criteria: CeGaT Center For Human Genetics Tuebingen Variant Classification Criteria Version 2. Collection method: clinical testing. Allele origin: germline. Affected: yes. Observed: 1 variant allele.
Comment: CUX2: BS1

PreventionGenetics, part of Exact Sciences
Classification: Likely benign for CUX2-related condition. Last evaluated: 2022-10-12. Review status: no assertion criteria provided. Collection method: clinical testing. Allele origin: germline. Not counted in ClinVar's aggregate classification.
Comment: This variant is classified as likely benign based on ACMG/AMP sequence variant interpretation guidelines (Richards et al. 2015 PMID: 25741868, with internal and published modifications).